The following is an entry in ClinVar:

ClinVar aggregate classification (germline): Pathogenic (1 of 4 stars; one submission).

Conditions:
Gorlin syndrome. Also called: Basal cell nevus syndrome; Nevoid Basal Cell Carcinoma Syndrome. Identifiers: Orphanet 377, MedGen C0004779, MONDO:0007187.

Submission:

Labcorp Genetics (formerly Invitae), Labcorp
Classification: Pathogenic for Gorlin syndrome. Last evaluated: 2021-01-08. Review status: criteria provided, single submitter. Criteria: Invitae Variant Classification Sherloc (09022015). Collection method: clinical testing. Allele origin: germline.
Comment: For these reasons, this variant has been classified as Pathogenic. This variant has not been reported in the literature in individuals with PTCH1-related conditions. This variant is not present in population databases (ExAC no frequency). This sequence change creates a premature translational stop signal (p.Ala1141Argfs*50) in the PTCH1 gene. It is expected to result in an absent or disrupted protein product. Loss-of-function variants in PTCH1 are known to be pathogenic (PMID: 16301862, 16419085).

Literature cited by the submitters: PubMed 16301862; PubMed 16419085.

NM_000264.5(PTCH1):c.3421del (p.Ala1141fs)

Gene: PTCH1 (patched 1; minus strand). Cytogenetic location: 9q22.32.
Variant type: Deletion.
Coding change: c.3421del on transcript NM_000264.5 (MANE Select); coding-DNA position 3421, one base deleted (G; older notation c.3421delG).
Protein change: p.Ala1141fs; shifts the reading frame from alanine 1141.
Molecular consequence: frameshift variant. On other transcripts: non-coding transcript variant (1).
Genome position (GRCh38, 1-based): chr9:95,453,506, C deleted on the plus strand (G on the coding strand, the reverse complement: PTCH1 is on the minus strand); the first of 2 consecutive C bases (chr9:95,453,506-95,453,507); deleting either gives the same sequence. VCF-style (leftmost placement, unchanged base first): chr9-95453505-GC-G. GRCh37 (hg19) VCF-style: chr9-98215787-GC-G.
Other names: c.3223del, p.Ala1075fs (NM_001083602.3); c.3418del, p.Ala1140fs (NM_001083603.3); c.2968del, p.Ala990fs (NM_001083604.3, NM_001083605.3, NM_001083606.3 and 1 more transcripts); c.3265del, p.Ala1089fs (NM_001354918.2); short protein forms A1075fs, A1089fs, A1141fs, A1140fs, A990fs.
Identifiers: ClinVar variation 1433486 (VCV001433486.6), dbSNP rs2136631061, ClinGen allele CA2573144874.